The following is an entry in ClinVar:

ClinVar aggregate classification (germline): Uncertain significance (1 of 4 stars; one submission).

Conditions:
Leigh syndrome (NULS). Also called: Leigh's necrotizing encephalopathy; Leigh's disease; Leigh's syndrome; LEIGH SYNDROME, NUCLEAR; Leigh Syndrome (mtDNA deletion); Leigh Disease. Identifiers: Orphanet 506, MedGen C2931891, MONDO:0009723, OMIM 256000.

Submission:

Wong Mito Lab, Molecular and Human Genetics, Baylor College of Medicine
Classification: Uncertain significance for Leigh syndrome. Last evaluated: 2019-10-17. Review status: criteria provided, single submitter. Criteria: Modified ACMG Guidelines (Unpublished). Collection method: clinical testing. Allele origin: germline.
Comment: The NC_012920.1:m.14601G>A (YP_003024037.1:p.Pro25Ser) variant in MTND6 gene is interpretated to be a Uncertain Significance variant based on the modified ACMG guidelines (unpublished). This variant meets the following evidence codes: PP7

NC_012920.1(MT-ND6):m.14601G>A

Gene: MT-ND6 (mitochondrially encoded NADH dehydrogenase 6; minus strand).
Variant type: single nucleotide variant.
Genome position: chrM-14601-G-A.
Identifiers: ClinVar variation 693745 (VCV000693745.1), dbSNP rs1603224806, ClinGen allele CA414823223.